The following is an entry in ClinVar:

NM_004260.4(RECQL4):c.460A>G (p.Lys154Glu)

Gene: RECQL4 (RecQ like helicase 4; minus strand). Cytogenetic location: 8q24.3.
Variant type: single nucleotide variant.
Coding change: c.460A>G on transcript NM_004260.4 (MANE Select); coding-DNA position 460, A replaced by G.
Protein change: p.Lys154Glu; replaces lysine 154 with glutamic acid.
Molecular consequence: missense variant.
Genome position (GRCh38, 1-based): chr8:144,516,659, T>C on the plus strand (A>G on the coding strand, the complement: RECQL4 is on the minus strand). VCF-style: chr8-144516659-T-C. GRCh37 (hg19) VCF-style: chr8-145742043-T-C.
Other names: c.460A>G (NM_004260.3); short protein forms K154E.
Identifiers: ClinVar variation 1506247 (VCV001506247.5), dbSNP rs2130728507, ClinGen allele CA372691400.
Genomic context (GRCh38, chr8:144,516,659, plus strand): 5'-GCTGGAGCCGGCCTGGCCTTGGCTGGGGCTCAGGGAGCTGTGGAGGCTCATCACTGACTT[T>C]TTCTGCAAAGGAGGGGACAGGCCCTGTACCTGGGGGCTTTGGGGTGGATGCCTTAGATGA-3'
Protein context (NP_004251.4, residues 144-164): GTGPVPSFAE[Lys154Glu]VSDEPPQLPE

ClinVar aggregate classification (germline): Conflicting classifications of pathogenicity. Review status: criteria provided, conflicting classifications (1 of 4 stars). 2 submissions from 2 submitters: Uncertain significance (1); Likely benign (1). Last evaluated 2025-12-18.

Conditions:
Inborn genetic diseases. Identifiers: MedGen C0950123, MeSH D030342.
Baller-Gerold syndrome (BGS). Also called: CRANIOSYNOSTOSIS WITH RADIAL DEFECTS. Identifiers: Orphanet 1225, MedGen C0265308, MONDO:0009039, OMIM 218600.

Allele frequency attached by ClinVar (database versions not stated): gnomAD exomes below 0.00001.
gnomAD v4.1: 3 of 1,602,240 alleles (0.00019%); highest among the groups gnomAD compares: South Asian, 0.0022%; no homozygotes.

Submissions (2):

Labcorp Genetics (formerly Invitae), Labcorp
Classification: Uncertain significance for Baller-Gerold syndrome. Last evaluated: 2025-12-18. Review status: criteria provided, single submitter. Criteria: Invitae Variant Classification Sherloc (09022015). Collection method: clinical testing. Allele origin: germline.
Comment: This sequence change replaces lysine, which is basic and polar, with glutamic acid, which is acidic and polar, at codon 154 of the RECQL4 protein (p.Lys154Glu). This variant is not present in population databases (gnomAD no frequency). This variant has not been reported in the literature in individuals affected with RECQL4-related conditions. ClinVar contains an entry for this variant (Variation ID: 1506247). Invitae Evidence Modeling of protein sequence and biophysical properties (such as structural, functional, and spatial information, amino acid conservation, physicochemical variation, residue mobility, and thermodynamic stability) indicates that this missense variant is not expected to disrupt RECQL4 protein function with a negative predictive value of 80%. In summary, the available evidence is currently insufficient to determine the role of this variant in disease. Therefore, it has been classified as a Variant of Uncertain Significance.

Ambry Genetics
Classification: Likely benign for Inborn genetic diseases. Last evaluated: 2025-06-15. Review status: criteria provided, single submitter. Criteria: Ambry Variant Classification Scheme 2023. Collection method: clinical testing. Allele origin: germline.